The following is an entry in ClinVar:

NM_001098511.3(KIF2A):c.226C>A (p.Pro76Thr)

Gene: KIF2A (kinesin family member 2A; plus strand). Cytogenetic location: 5q12.1.
Variant type: single nucleotide variant.
Coding change: c.226C>A on transcript NM_001098511.3 (MANE Select); coding-DNA position 226, C replaced by A.
Protein change: p.Pro76Thr; replaces proline 76 with threonine.
Molecular consequence: missense variant.
Genome position (GRCh38, 1-based): chr5:62,348,114, C>A. VCF-style: chr5-62348114-C-A. GRCh37 (hg19) VCF-style: chr5-61643941-C-A.
Other names: c.145C>A, p.Pro49Thr (NM_001243952.2); c.226C>A, p.Pro76Thr (NM_001243953.2, NM_004520.5); short protein forms P76T, P49T.
Identifiers: ClinVar variation 384104 (VCV000384104.11), dbSNP rs748463159, ClinGen allele CA3278724.

ClinVar aggregate classification (germline): Likely benign. Review status: criteria provided, multiple submitters, no conflicts (2 of 4 stars). 3 submissions from 3 submitters: Likely benign (2). 1 of the submissions does not count toward it. Last evaluated 2025-09-24.

Conditions:
KIF2A-related disorder. Also called: KIF2A-related condition.

Allele frequency attached by ClinVar (database versions not stated): gnomAD 0.00004; TOPMed 0.00013; gnomAD exomes 0.00031; ExAC 0.00032.
gnomAD v4.1: 91 of 1,613,658 alleles (0.0056%); highest among the groups gnomAD compares: Admixed American, 0.15%; no homozygotes.

Submissions (3):

Labcorp Genetics (formerly Invitae), Labcorp
Classification: Likely benign. Last evaluated: 2025-09-24. Review status: criteria provided, single submitter. Criteria: Invitae Variant Classification Sherloc (09022015). Collection method: clinical testing. Allele origin: germline.

GeneDx
Classification: Likely benign. Last evaluated: 2017-06-09. Review status: criteria provided, single submitter. Criteria: GeneDx Variant Classification (06012015). Collection method: clinical testing. Allele origin: germline. Affected: yes.
Comment: This variant is considered likely benign or benign based on one or more of the following criteria: it is a conservative change, it occurs at a poorly conserved position in the protein, it is predicted to be benign by multiple in silico algorithms, and/or has population frequency not consistent with disease.

PreventionGenetics, part of Exact Sciences
Classification: Likely benign for KIF2A-related condition. Last evaluated: 2023-07-07. Review status: no assertion criteria provided. Collection method: clinical testing. Allele origin: germline. Not counted in ClinVar's aggregate classification.
Comment: This variant is classified as likely benign based on ACMG/AMP sequence variant interpretation guidelines (Richards et al. 2015 PMID: 25741868, with internal and published modifications).